The following is an entry in ClinVar:

ClinVar aggregate classification (germline): Uncertain significance. Review status: criteria provided, multiple submitters, no conflicts (2 of 4 stars). 2 submissions from 2 submitters: Uncertain significance (2). Last evaluated 2025-12-08.

Allele frequency attached by ClinVar (database versions not stated): gnomAD 0.00005 and 0.00006; TOPMed 0.00021.

Submissions (2):

Labcorp Genetics (formerly Invitae), Labcorp
Classification: Uncertain significance. Last evaluated: 2025-12-08. Review status: criteria provided, single submitter. Criteria: Invitae Variant Classification Sherloc (09022015). Collection method: clinical testing. Allele origin: germline.
Comment: This sequence change replaces glutamic acid, which is acidic and polar, with glutamine, which is neutral and polar, at codon 3 of the CACNA1F protein (p.Glu3Gln). This variant is present in population databases (no rsID available, gnomAD 0.2%). This variant has not been reported in the literature in individuals affected with CACNA1F-related conditions. ClinVar contains an entry for this variant (Variation ID: 850943). An algorithm developed to predict the effect of missense changes on protein structure and function (PolyPhen-2) suggests that this variant is likely to be tolerated. In summary, the available evidence is currently insufficient to determine the role of this variant in disease. Therefore, it has been classified as a Variant of Uncertain Significance.

Blueprint Genetics
Classification: Uncertain significance. Last evaluated: 2020-12-10. Review status: criteria provided, single submitter. Criteria: ACMG Guidelines, 2015. Collection method: clinical testing. Allele origin: germline.

NM_001256789.3(CACNA1F):c.7G>C (p.Glu3Gln)

Gene: CACNA1F (calcium voltage-gated channel subunit alpha1 F; minus strand). Cytogenetic location: Xp11.23.
Variant type: single nucleotide variant.
Coding change: c.7G>C on transcript NM_001256789.3 (MANE Select); coding-DNA position 7, G replaced by C.
Protein change: p.Glu3Gln; replaces glutamic acid 3 with glutamine.
Molecular consequence: missense variant.
Genome position (GRCh38, 1-based): chrX:49,233,303, C>G on the plus strand (G>C on the coding strand, the complement: CACNA1F is on the minus strand). VCF-style: chrX-49233303-C-G. GRCh37 (hg19) VCF-style: chrX-49089765-C-G.
Other names: c.7G>C, p.Glu3Gln (NM_001256790.3, NM_005183.4); short protein forms E3Q.
Identifiers: ClinVar variation 850943 (VCV000850943.8), dbSNP rs1369614087, ClinGen allele CA412930650.